The following continues an entry in ClinVar:

NM_001360.3(DHCR7):c.278C>T (p.Thr93Met)

Gene: DHCR7. ClinVar aggregate classification (germline): Pathogenic/Likely pathogenic. Pathogenic (19); Likely pathogenic (3).

Submissions 15 to 25 of 25:

Myriad Genetics, Inc.
Classification: Pathogenic for Smith-Lemli-Opitz syndrome. Last evaluated: 2019-12-04. Review status: criteria provided, single submitter. Criteria: Myriad Women's Health Autosomal Recessive and X-Linked Classification Criteria (2019). Collection method: clinical testing. Allele origin: unknown.
Comment: NM_001360.2(DHCR7):c.278C>T(T93M) is classified as pathogenic in the context of Smith-Lemli-Opitz syndrome and is associated with moderate or mild forms of this disease. Sources cited for classification include the following: PMID 9653161, 10677299, 15670717 and 14981719. Classification of NM_001360.2(DHCR7):c.278C>T(T93M) is based on the following criteria: This is a well-established pathogenic variant in the literature that has been observed more frequently in patients with clinical diagnoses than in healthy populations. Please note: this variant was assessed in the context of healthy population screening.â€šÃ„Ã¶âˆšÃ‘âˆšÂ£

Genomic Research Center, Shahid Beheshti University of Medical Sciences
Classification: Likely pathogenic for Smith-Lemli-Opitz syndrome. Last evaluated: 2017-12-18. Review status: criteria provided, single submitter. Criteria: ACMG Guidelines, 2015. Collection method: clinical testing. Allele origin: inherited. Affected: yes.

Women's Health and Genetics/Laboratory Corporation of America, LabCorp
Classification: Pathogenic for Smith-Lemli-Opitz syndrome. Last evaluated: 2017-03-30. Review status: criteria provided, single submitter. Criteria: LabCorp Variant Classification Summary - May 2015. Collection method: clinical testing. Allele origin: germline.
Comment: Variant summary: The DHCR7 c.278C>T (p.Thr93Met) variant involves the alteration of a conserved nucleotide and 4/4 in silico tools (SNPs&GO not captured due to low reliability index) predict a damaging outcome for this variant. This variant was found in 3/109422 control chromosomes from ExAC at a frequency of 0.0000274, which does not exceed the estimated maximal expected allele frequency of a pathogenic DHCR7 variant (0.0043301). Published studies have reported this variant in patients with SLOS in homozygous as well as in compound heterozygous state with other likely pathogenic/pathogenic variants. It is a known common pathogenic variant with possible founder effect in Mediterranean region. This variant is located in one of the transmembrane domains and expression of this mutant in mammalian cells showed decreased expression, lower than 5% (Witsch-Baumgartner_2000). Multiple clinical diagnostic laboratories/reputable databases have classified this variant as pathogenic. Taken together, this variant is classified as pathogenic.

Eurofins Ntd Llc (ga)
Classification: Pathogenic. Last evaluated: 2013-08-05. Review status: criteria provided, single submitter. Criteria: EGL Classification Definitions. Collection method: clinical testing. Allele origin: germline. Observed: 2 variant alleles, 2 heterozygotes.

Clinical Genetics Service, Universitary Hospital 12 de Octubre
Classification: Pathogenic for Smith-Lemli-Opitz syndrome. Review status: criteria provided, single submitter. Criteria: ACMG Guidelines, 2015. Collection method: clinical testing. Allele origin: paternal. Affected: yes.

Juno Genomics, Hangzhou Juno Genomics, Inc
Classification: Pathogenic for Smith-Lemli-Opitz syndrome. Review status: criteria provided, single submitter. Criteria: ACMG Guidelines, 2015. Collection method: clinical testing. Allele origin: germline.
Comment: Absent from controls (or at extremely low frequency if recessive) in Genome Aggregation Database.;Multiple lines of computational evidence support a deleterious effect on the gene or gene product.;For recessive disorders, detected in trans with a pathogenic variant.

Lifecell International Pvt. Ltd
Classification: Pathogenic for Smith-Lemli-Opitz syndrome. Review status: criteria provided, single submitter. Criteria: ACMG Guidelines, 2015. Collection method: clinical testing. Allele origin: germline. Inheritance: Autosomal recessive inheritance. Affected: yes. Observed: 1 homozygote.
Comment: A Homozygote Missense variant c.278C>T in Exon 4 of the DHCR7 gene that results in the amino acid substitution p.Thr93Met was identified. The observed variant has a minimum allele frequency of 0.00004/0.00013% in gnomAD exomes and genomes, respectively. The severity of the impact of this variant on the protein is medium, based on the effect of the protein and REVEL score. Rare Exome Variant Ensemble Learner (REVEL) is an ensembl method for predicting the pathogenicity of missense variants based on a combination of scores from 13 individual tools: MutPred, FATHMM v2.3, VEST 3.0, PolyPhen-2, SIFT, PROVEAN, MutationAssessor, LRT, GERP++, SiPhy, phyloP, and phastCons. The REVEL score for an individual missense variant can range from 0 to 1, with higher scores reflecting greater likelihood that the variant is disease-causing. The variant has been reported to ClinVar as Pathogenic with a status of (2 stars) criteria provided, multiple submitters, no conflicts (Variation ID 6783 as of 2022-12-11). The variant has been previously recorded to cause Smith-Lemli-Opitz syndrome. This sequence change replaces threonine, which is neutral and polar, with methionine, which is neutral and non-polar, at codon 93 of the DHCR7 protein (p.Thr93Met) (Witsch-Baumgartner, M et al., 2000; Fitzky, B U et al., 1998). Based on the above evidence this variant has been classified as Pathogenic according to the ACMG guidelines.

Lupski Lab, Baylor-Hopkins CMG, Baylor College of Medicine
Classification: Likely pathogenic for Abnormal brain morphology. Review status: criteria provided, single submitter. Criteria: Karaca et al. (Neuron 2015). Collection method: research. Allele origin: inherited. Inheritance: Autosomal recessive inheritance. Affected: yes.

OMIM
Classification: Pathogenic for SMITH-LEMLI-OPITZ SYNDROME. Last evaluated: 2012-06-01. Review status: no assertion criteria provided. Collection method: literature only. Allele origin: germline. Not counted in ClinVar's aggregate classification.

Biochemistry Laboratory of CDMU, Chengde Medical University
Classification: Pathogenic for Smith-Lemli-Opitz syndrome. Review status: no assertion criteria provided. Criteria: ACMG Guidelines, 2015. Collection method: case-control. Allele origin: inherited. Affected: yes. Not counted in ClinVar's aggregate classification.

GeneReviews
No classification provided. Condition: Smith-Lemli-Opitz syndrome. Review status: no classification provided. Collection method: literature only. Allele origin: unknown. Not counted in ClinVar's aggregate classification.

Literature cited by the submitters: PubMed 9653161 (cited by 6 submitters); PubMed 10602371 (cited by 4 submitters); PubMed 10677299 (cited by 5 submitters); PubMed 10995508 (cited by Labcorp Genetics (formerly Invitae), Labcorp); PubMed 14981719 (cited by 3 submitters); PubMed 15776424 (cited by Labcorp Genetics (formerly Invitae), Labcorp); PubMed 15896653 (cited by Natera, Inc.); PubMed 17965227 (cited by 3 submitters); PubMed 22211794 (cited by 3 submitters); PubMed 15670717 (cited by Myriad Genetics, Inc.); PubMed 11175299 (cited by OMIM and GeneReviews); PubMed 15952211 (cited by OMIM and GeneReviews); PubMed 16207203 (cited by GeneReviews); PubMed 20301322 (cited by GeneReviews); NCBI Bookshelf NBK1143 (cited by GeneReviews).